The following is an entry in ClinVar:

ClinVar aggregate classification (germline): Pathogenic (1 of 4 stars; one submission).

Conditions:
Intellectual disability. Also called: intellectual disabilities; Intellectual functioning disability; Intellectual developmental disorder. Identifiers: MedGen C3714756, MeSH D008607, MONDO:0001071, HP:0001249.

Submission:

Genetics Laboratory, UDIAT-Centre Diagnòstic, Hospital Universitari Parc Tauli
Classification: Pathogenic for Intellectual disability. Last evaluated: 2022-10-04. Review status: criteria provided, single submitter. Criteria: Parc Tauli Hospital Assertion Criteria 2021. Collection method: clinical testing. Allele origin: de novo. Inheritance: Autosomal dominant inheritance. Affected: yes.
Comment: PVS1;PM2_supporting;PM6

NM_020336.4(RALGAPB):c.4142+1G>A

Gene: RALGAPB (Ral GTPase activating protein non-catalytic subunit beta; plus strand). Cytogenetic location: 20q11.23.
Variant type: single nucleotide variant.
Coding change: c.4142+1G>A on transcript NM_020336.4 (MANE Select); the canonical splice donor site of the intron after coding-DNA position 4142, G replaced by A.
Molecular consequence: splice donor variant.
Genome position (GRCh38, 1-based): chr20:38,570,848, G>A. VCF-style: chr20-38570848-G-A. GRCh37 (hg19) VCF-style: chr20-37199491-G-A.
Other names: c.4133+1G>A (NM_001282918.2); c.4142+1G>A (NM_001282917.2).
Identifiers: ClinVar variation 1708254 (VCV001708254.2), dbSNP rs2516688932, ClinGen allele CA408891417.